The following is an entry in ClinVar:

NC_000003.12:g.169764850G>A

Genes: TERC (telomerase RNA component; minus strand), LOC110806306 (telomerase RNA component (TERC) promoter; plus strand). Cytogenetic location: 3q26.2.
Variant type: single nucleotide variant.
Genome position: GRCh38 VCF-style: chr3-169764850-G-A. GRCh37 (hg19) VCF-style: chr3-169482638-G-A.
Identifiers: ClinVar variation 1523182 (VCV001523182.8), dbSNP rs1346505603, ClinGen allele CA436715399.
Genomic context (GRCh38, chr3:169,764,850, plus strand): 5'-CCCCGGGCCGACCGCGGCCTCCAGGCGGGGTTCGGGGGCTGGGCAGGCGACCCGCCGCAG[G>A]TCCCCGGGAGGGGCGAACGGGCCAGCAGCTGACATTTTTTGTTTGCTCTAGAATGAACGG-3'

ClinVar aggregate classification (germline): Uncertain significance (1 of 4 stars; one submission).

Conditions:
Dyskeratosis congenita, autosomal dominant 1 (DKCA1). Also called: Dyskeratosis congenita Scoggins type. Identifiers: Orphanet 1775, MedGen C4551974, MONDO:0007485, OMIM 127550. Inheritance: Variable.

Allele frequency attached by ClinVar (database versions not stated): gnomAD exomes below 0.00001 and 0.00001.
gnomAD v4.1: 2 of 748,730 alleles (0.00027%); highest among the groups gnomAD compares: Admixed American, 0.0036%; no homozygotes.

Submission:

Labcorp Genetics (formerly Invitae), Labcorp
Classification: Uncertain significance for Dyskeratosis congenita, autosomal dominant 1. Last evaluated: 2022-07-07. Review status: criteria provided, single submitter. Criteria: Invitae Variant Classification Sherloc (09022015). Collection method: clinical testing. Allele origin: germline.
Comment: ClinVar contains an entry for this variant (Variation ID: 1523182). This variant has not been reported in the literature in individuals affected with TERC-related conditions. The frequency data for this variant in the population databases is considered unreliable, as metrics indicate poor data quality at this position in the gnomAD database. This variant occurs in the TERC gene, which encodes an RNA molecule that does not result in a protein product. Experimental studies and prediction algorithms are not available or were not evaluated, and the functional significance of this variant is currently unknown. In summary, the available evidence is currently insufficient to determine the role of this variant in disease. Therefore, it has been classified as a Variant of Uncertain Significance. This variant is located within the BoxH/ACA scaRNA domain of the TERC RNA component, which is required for telomerase activity (PMID: 21844345).

Literature cited by the submitters: PubMed 21844345.